The following is an entry in ClinVar:

NM_206933.4(USH2A):c.14343+1G>A

Gene: USH2A (usherin; minus strand). Cytogenetic location: 1q41.
Variant type: single nucleotide variant.
Coding change: c.14343+1G>A on transcript NM_206933.4 (MANE Select); the canonical splice donor site of the intron after coding-DNA position 14343, G replaced by A.
Molecular consequence: splice donor variant.
Genome position (GRCh38, 1-based): chr1:215,650,591, C>T on the plus strand (G>A on the coding strand, the complement: USH2A is on the minus strand). VCF-style: chr1-215650591-C-T. GRCh37 (hg19) VCF-style: chr1-215823933-C-T.
Identifiers: ClinVar variation 1067476 (VCV001067476.7), dbSNP rs2102644733, ClinGen allele CA344834789.
Genomic context (GRCh38, chr1:215,650,591, plus strand): 5'-GGTTTCATAGTAATGATTTTTAAAAGTCAACCAGTCCTGGATTTTTAGCTCTGCTGCTCA[C>T]CACTGTCTCAGCCCCATGGGCGCTGCTGGAGAACAGCCTGTAGAGACTGACGATCCCGTT-3'

ClinVar aggregate classification (germline): Pathogenic (1 of 4 stars; one submission).

Submission:

Labcorp Genetics (formerly Invitae), Labcorp
Classification: Pathogenic. Last evaluated: 2024-08-12. Review status: criteria provided, single submitter. Criteria: Invitae Variant Classification Sherloc (09022015). Collection method: clinical testing. Allele origin: germline.
Comment: This sequence change affects a donor splice site in intron 65 of the USH2A gene. It is expected to disrupt RNA splicing. Variants that disrupt the donor or acceptor splice site typically lead to a loss of protein function (PMID: 16199547), and loss-of-function variants in USH2A are known to be pathogenic (PMID: 10729113, 10909849, 20507924, 25649381). This variant is not present in population databases (gnomAD no frequency). Disruption of this splice site has been observed in individual(s) with clinical features of Usher syndrome (PMID: 36011334). ClinVar contains an entry for this variant (Variation ID: 1067476). Algorithms developed to predict the effect of sequence changes on RNA splicing suggest that this variant may disrupt the consensus splice site. For these reasons, this variant has been classified as Pathogenic.

Literature cited by the submitters: PubMed 16199547; PubMed 10729113; PubMed 10909849; PubMed 20507924; PubMed 25649381; PubMed 36011334.